The following is an entry in ClinVar:

ClinVar aggregate classification (germline): Uncertain significance. Review status: criteria provided, multiple submitters, no conflicts (2 of 4 stars). 2 submissions from 2 submitters: Uncertain significance (2). Last evaluated 2026-09-02.

Conditions:
Cataract 6 multiple types. Also called: CATARACT 6, POSTERIOR POLAR; CATARACT 6, CONGENITAL TOTAL; CATARACT, AGE-RELATED CORTICAL, 2. Identifiers: Orphanet 91492, MedGen C1861825, MONDO:0007288, OMIM 116600.
Inborn genetic diseases. Identifiers: MedGen C0950123, MeSH D030342.

gnomAD v4.1: 2 of 1,614,126 alleles (0.00012%); highest among the groups gnomAD compares: Admixed American, 0.0017%; no homozygotes.

Submissions (2):

Ambry Genetics
Classification: Uncertain significance for Inborn genetic diseases. Last evaluated: 2026-09-02. Review status: criteria provided, single submitter. Criteria: Ambry Variant Classification Scheme 2023. Collection method: clinical testing. Allele origin: germline.

Labcorp Genetics (formerly Invitae), Labcorp
Classification: Uncertain significance for Cataract 6 multiple types. Last evaluated: 2025-03-27. Review status: criteria provided, single submitter. Criteria: Invitae Variant Classification Sherloc (09022015). Collection method: clinical testing. Allele origin: germline.
Comment: This sequence change replaces glycine, which is neutral and non-polar, with aspartic acid, which is acidic and polar, at codon 709 of the EPHA2 protein (p.Gly709Asp). This variant is not present in population databases (gnomAD no frequency). This variant has not been reported in the literature in individuals affected with EPHA2-related conditions. Invitae Evidence Modeling of protein sequence and biophysical properties (such as structural, functional, and spatial information, amino acid conservation, physicochemical variation, residue mobility, and thermodynamic stability) indicates that this missense variant is not expected to disrupt EPHA2 protein function with a negative predictive value of 80%. In summary, the available evidence is currently insufficient to determine the role of this variant in disease. Therefore, it has been classified as a Variant of Uncertain Significance.

NM_004431.5(EPHA2):c.2126G>A (p.Gly709Asp)

Gene: EPHA2 (EPH receptor A2; minus strand). Cytogenetic location: 1p36.13.
Variant type: single nucleotide variant.
Coding change: c.2126G>A on transcript NM_004431.5 (MANE Select); coding-DNA position 2126, G replaced by A.
Protein change: p.Gly709Asp; replaces glycine 709 with aspartic acid.
Molecular consequence: missense variant.
Genome position (GRCh38, 1-based): chr1:16,132,263, C>T on the plus strand (G>A on the coding strand, the complement: EPHA2 is on the minus strand). VCF-style: chr1-16132263-C-T. GRCh37 (hg19) VCF-style: chr1-16458758-C-T.
Other names: c.2126G>A (NM_004431.3); c.1964G>A, p.Gly655Asp (NM_001329090.2); short protein forms G655D, G709D.
Identifiers: ClinVar variation 3629189 (VCV003629189.3).